The following is an entry in ClinVar:

ClinVar aggregate classification (germline): Uncertain significance (0 of 4 stars; one submission).

Conditions:
SH2B1-related disorder. Also called: SH2B1-related condition.

Submission:

PreventionGenetics, part of Exact Sciences
Classification: Uncertain significance for SH2B1-related condition. Last evaluated: 2024-05-16. Review status: no assertion criteria provided. Collection method: clinical testing. Allele origin: germline.
Comment: The SH2B1 c.1382A>G variant is predicted to result in the amino acid substitution p.His461Arg. To our knowledge, this variant has not been reported in the literature or in a large population database, indicating this variant is rare. At this time, the clinical significance of this variant is uncertain due to the absence of conclusive functional and genetic evidence.

NM_001387430.1(SH2B1):c.1382A>G (p.His461Arg)

Gene: SH2B1 (SH2B adaptor protein 1; plus strand). Cytogenetic location: 16p11.2.
Variant type: single nucleotide variant.
Coding change: c.1382A>G on transcript NM_001387430.1 (MANE Select); coding-DNA position 1382, A replaced by G.
Protein change: p.His461Arg; replaces histidine 461 with arginine.
Molecular consequence: missense variant.
Genome position (GRCh38, 1-based): chr16:28,871,852, A>G. VCF-style: chr16-28871852-A-G. GRCh37 (hg19) VCF-style: chr16-28883173-A-G.
Other names: c.1382A>G, p.His461Arg (NM_001145795.2, NM_001145796.2, NM_001145797.2 and 4 more transcripts); c.374A>G, p.His125Arg (NM_001308294.2); short protein forms H125R, H461R.
Identifiers: ClinVar variation 3346111 (VCV003346111.1).
Genomic context (GRCh38, chr16:28,871,852, plus strand): 5'-GCCTCTCAGACCGCCCCTCGGCATCCATCTCCCCCAGCTCTGCCTCCATTGCCGCCTCCC[A>G]TTTTGACTCGATGGAACTGCTTCCCCCAGAGTTGCCCCCCCGCATCCCCATTGAAGAGGG-3'
Protein context (NP_001374359.1, residues 451-471): SPSSASIAAS[His461Arg]FDSMELLPPE